The following is an entry in ClinVar:

ClinVar aggregate classification (germline): Uncertain significance (1 of 4 stars; one submission).

Submission:

GeneDx
Classification: Uncertain significance. Last evaluated: 2026-06-25. Review status: criteria provided, single submitter. Criteria: GeneDx Variant Classification Process June 2021. Collection method: clinical testing. Allele origin: germline.
Comment: Not observed at significant frequency in large population cohorts (gnomAD); In silico analysis supports that this missense variant has a deleterious effect on protein structure/function; Has not been previously published as pathogenic or benign to our knowledge

NM_018263.6(ASXL2):c.737G>T (p.Gly246Val)

Gene: ASXL2 (ASXL transcriptional regulator 2; minus strand). Cytogenetic location: 2p23.3.
Variant type: single nucleotide variant.
Coding change: c.737G>T on transcript NM_018263.6 (MANE Select); coding-DNA position 737, G replaced by T.
Protein change: p.Gly246Val; replaces glycine 246 with valine.
Molecular consequence: missense variant. On other transcripts: 5 prime UTR variant (1).
Genome position (GRCh38, 1-based): chr2:25,767,621, C>A on the plus strand (G>T on the coding strand, the complement: ASXL2 is on the minus strand). VCF-style: chr2-25767621-C-A. GRCh37 (hg19) VCF-style: chr2-25990490-C-A.
Other names: c.563G>T, p.Gly188Val (NM_001369346.1); c.-44G>T (NM_001369347.1); short protein forms G188V, G246V.
Identifiers: ClinVar variation 1804291 (VCV001804291.2), dbSNP rs2088373226, ClinGen allele CA346081356.
Genomic context (GRCh38, chr2:25,767,621, plus strand): 5'-AAGTCTTTGTAAGCAAACTTACTGGTATGGAGTCTCTCAGATCTCTGGAATGACTTCTTC[C>A]CCAAGCCTAGTAAAGTATTTTCCACTTTAACTGAGGAAGAAAAGCTGGAGTTTGAGTTTT-3'
Protein context (NP_060733.4, residues 236-256): VKVENTLLGL[Gly246Val]KKSFQRSERL